The following is an entry in ClinVar:

ClinVar aggregate classification (germline): Uncertain significance (1 of 4 stars; one submission).

Conditions:
Inborn genetic diseases. Identifiers: MedGen C0950123, MeSH D030342.

Submission:

Ambry Genetics
Classification: Uncertain significance for Inborn genetic diseases. Last evaluated: 2025-01-08. Review status: criteria provided, single submitter. Criteria: Ambry Variant Classification Scheme 2023. Collection method: clinical testing. Allele origin: germline.
Comment: The p.H777R variant (also known as c.2330A>G), located in coding exon 12 of the BMPR2 gene, results from an A to G substitution at nucleotide position 2330. The histidine at codon 777 is replaced by arginine, an amino acid with highly similar properties. This amino acid position is conserved. In addition, the in silico prediction for this alteration is inconclusive. Based on the available evidence, the clinical significance of this variant remains unclear.

NM_001204.7(BMPR2):c.2330A>G (p.His777Arg)

Gene: BMPR2 (bone morphogenetic protein receptor type 2; plus strand). Cytogenetic location: 2q33.2.
Variant type: single nucleotide variant.
Coding change: c.2330A>G on transcript NM_001204.7 (MANE Select); coding-DNA position 2330, A replaced by G.
Protein change: p.His777Arg; replaces histidine 777 with arginine.
Molecular consequence: missense variant.
Genome position (GRCh38, 1-based): chr2:202,555,995, A>G. VCF-style: chr2-202555995-A-G. GRCh37 (hg19) VCF-style: chr2-203420718-A-G.
Other names: short protein forms H777R.
Identifiers: ClinVar variation 3824825 (VCV003824825.1).